The following is an entry in ClinVar:

ClinVar aggregate classification (germline): Uncertain significance (1 of 4 stars; one submission).

Submission:

GeneDx
Classification: Uncertain significance. Last evaluated: 2025-05-13. Review status: criteria provided, single submitter. Criteria: GeneDx Variant Classification Process June 2021. Collection method: clinical testing. Allele origin: germline. Affected: yes.
Comment: Not observed at significant frequency in large population cohorts (gnomAD); Has not been previously published as pathogenic or benign to our knowledge; Canonical splice site variant in a gene for which loss-of-function is not a known mechanism of disease

NM_001206998.2(ZNRF3):c.300+1G>T

Gene: ZNRF3 (zinc and ring finger 3; plus strand). Cytogenetic location: 22q12.1.
Variant type: single nucleotide variant.
Coding change: c.300+1G>T on transcript NM_001206998.2 (MANE Select); the canonical splice donor site of the intron after coding-DNA position 300, G replaced by T.
Molecular consequence: splice donor variant.
Genome position (GRCh38, 1-based): chr22:28,884,067, G>T. VCF-style: chr22-28884067-G-T. GRCh37 (hg19) VCF-style: chr22-29280055-G-T.
Identifiers: ClinVar variation 4529874 (VCV004529874.1).